The following is an entry in ClinVar:

NM_001613.4(ACTA2):c.67T>A (p.Phe23Ile)

Gene: ACTA2 (actin alpha 2, smooth muscle; minus strand). Cytogenetic location: 10q23.31.
Variant type: single nucleotide variant.
Coding change: c.67T>A on transcript NM_001613.4 (MANE Select); coding-DNA position 67, T replaced by A.
Protein change: p.Phe23Ile; replaces phenylalanine 23 with isoleucine.
Molecular consequence: missense variant.
Genome position (GRCh38, 1-based): chr10:88,948,864, A>T on the plus strand (T>A on the coding strand, the complement: ACTA2 is on the minus strand). VCF-style: chr10-88948864-A-T. GRCh37 (hg19) VCF-style: chr10-90708621-A-T.
Other names: c.67T>A, p.Phe23Ile (NM_001141945.3, NM_001320855.2, NM_001406462.1 and 7 more transcripts); short protein forms F23I.
Identifiers: ClinVar variation 811477 (VCV000811477.8), dbSNP rs1589400425, ClinGen allele CA377513711.

ClinVar aggregate classification (germline): Uncertain significance (1 of 4 stars; one submission).

Submission:

ARUP Laboratories, Molecular Genetics and Genomics, ARUP Laboratories
Classification: Uncertain significance. Last evaluated: 2019-06-30. Review status: criteria provided, single submitter. Criteria: ARUP Molecular Germline Variant Investigation Process. Collection method: clinical testing. Allele origin: germline.
Comment: The ACTA2 c.67T>A; p.Phe23Ile variant, to our knowledge, is not reported in the medical literature or gene-specific databases. This variant is also absent from general population databases (Exome Variant Server, Genome Aggregation Database), indicating it is not a common polymorphism. The phenylalanine at codon 23 is highly conserved, and computational analyses (SIFT, PolyPhen-2) predict that this variant is deleterious. However, due to limited information, the clinical significance of the p.Phe23Ile variant is uncertain at this time.